The following is an entry in ClinVar:

NM_000051.4(ATM):c.5072G>C (p.Ser1691Thr)

Gene: ATM (ATM serine/threonine kinase; plus strand). Cytogenetic location: 11q22.3.
Variant type: single nucleotide variant.
Coding change: c.5072G>C on transcript NM_000051.4 (MANE Select); coding-DNA position 5072, G replaced by C.
Protein change: p.Ser1691Thr; replaces serine 1691 with threonine.
Molecular consequence: missense variant.
Genome position (GRCh38, 1-based): chr11:108,299,780, G>C. VCF-style: chr11-108299780-G-C. GRCh37 (hg19) VCF-style: chr11-108170507-G-C.
Other names: c.5072G>C, p.Ser1691Thr (NM_001351834.2); short protein forms S1691T.
Identifiers: ClinVar variation 422643 (VCV000422643.4), dbSNP rs1064795911, ClinGen allele CA16619193.

ClinVar aggregate classification (germline): Uncertain significance. Review status: criteria provided, multiple submitters, no conflicts (2 of 4 stars). 2 submissions from 2 submitters: Uncertain significance (2). Last evaluated 2023-07-27.

Conditions:
Hereditary cancer-predisposing syndrome. Also called: Hereditary neoplastic syndrome; Neoplastic Syndromes, Hereditary; Tumor predisposition; Hereditary Cancer Syndrome. Identifiers: Orphanet 140162, MedGen C0027672, MeSH D009386, MONDO:0015356.

Submissions (2):

Ambry Genetics
Classification: Uncertain significance for Hereditary cancer-predisposing syndrome. Last evaluated: 2023-07-27. Review status: criteria provided, single submitter. Criteria: Ambry Variant Classification Scheme 2023. Collection method: clinical testing. Allele origin: germline.
Comment: The p.S1691T variant (also known as c.5072G>C), located in coding exon 33 of the ATM gene, results from a G to C substitution at nucleotide position 5072. The serine at codon 1691 is replaced by threonine, an amino acid with similar properties. This amino acid position is conserved. In addition, this alteration is predicted to be tolerated by in silico analysis. Since supporting evidence is limited at this time, the clinical significance of this alteration remains unclear.

GeneDx
Classification: Uncertain significance. Last evaluated: 2016-11-17. Review status: criteria provided, single submitter. Criteria: GeneDx Variant Classification (06012015). Collection method: clinical testing. Allele origin: germline. Affected: yes.
Comment: This variant is denoted ATM c.5072G>C at the cDNA level, p.Ser1691Thr (S1691T) at the protein level, and results in the change of a Serine to a Threonine (AGT>ACT). This variant has not, to our knowledge, been published in the literature as pathogenic or benign. ATM Ser1691Thr was not observed in approximately 6,500 individuals of European and African American ancestry in the NHLBI Exome Sequencing Project, suggesting it is not a common benign variant in these populations. Since Serine and Threonine share similar properties, this is considered a conservative amino acid substitution. ATM Ser1691Thr occurs at a position that is not conserved and is not located in a known functional domain (Tavtigian 2009, Stracker 2013). In silico analyses predict that this variant is unlikely to alter protein structure or function. Based on currently available evidence, it is unclear whether ATM Ser1691Thr is a pathogenic or benign variant. We consider it to be a variant of uncertain significance.